The following is an entry in ClinVar:

ClinVar aggregate classification (germline): Uncertain significance (1 of 4 stars; one submission).

Conditions:
Charcot-Marie-Tooth disease axonal type 2O. Also called: Charcot-Marie-Tooth disease, axonal, type 20; CHARCOT-MARIE-TOOTH NEUROPATHY, AXONAL, TYPE 2O; CHARCOT-MARIE-TOOTH DISEASE, AXONAL, AUTOSOMAL DOMINANT, TYPE 2O; Charcot-Marie-Tooth Neuropathy Type 2O. Identifiers: Orphanet 284232, MedGen C3280220, MONDO:0013644, OMIM 614228.

Submission:

Labcorp Genetics (formerly Invitae), Labcorp
Classification: Uncertain significance for Charcot-Marie-Tooth disease axonal type 2O. Last evaluated: 2024-01-08. Review status: criteria provided, single submitter. Criteria: Invitae Variant Classification Sherloc (09022015). Collection method: clinical testing. Allele origin: germline.
Comment: This sequence change replaces leucine, which is neutral and non-polar, with proline, which is neutral and non-polar, at codon 1033 of the DYNC1H1 protein (p.Leu1033Pro). This variant is not present in population databases (gnomAD no frequency). This variant has not been reported in the literature in individuals affected with DYNC1H1-related conditions. Advanced modeling of protein sequence and biophysical properties (such as structural, functional, and spatial information, amino acid conservation, physicochemical variation, residue mobility, and thermodynamic stability) performed at Invitae indicates that this missense variant is expected to disrupt DYNC1H1 protein function with a positive predictive value of 95%. In summary, the available evidence is currently insufficient to determine the role of this variant in disease. Therefore, it has been classified as a Variant of Uncertain Significance.

NM_001376.5(DYNC1H1):c.3098T>C (p.Leu1033Pro)

Gene: DYNC1H1 (dynein cytoplasmic 1 heavy chain 1; plus strand). Cytogenetic location: 14q32.31.
Variant type: single nucleotide variant.
Coding change: c.3098T>C on transcript NM_001376.5 (MANE Select); coding-DNA position 3098, T replaced by C.
Protein change: p.Leu1033Pro; replaces leucine 1033 with proline.
Molecular consequence: missense variant.
Genome position (GRCh38, 1-based): chr14:101,994,266, T>C. VCF-style: chr14-101994266-T-C. GRCh37 (hg19) VCF-style: chr14-102460603-T-C.
Other names: short protein forms L1033P.
Identifiers: ClinVar variation 2706010 (VCV002706010.3), dbSNP rs2503713391, ClinGen allele CA391032350.
Genomic context (GRCh38, chr14:101,994,266, plus strand): 5'-CTGAGGAAGAGAAATTCTATCGGAATGCTTTAACACGGATGCCTGATGGCCCTGTTGCCC[T>C]GGAAGAGTCGTATTCTGCTGTCATGGGCATTGTATCTGAAGTTGAACAGTATGTCAAGGT-3'
Protein context (NP_001367.2, residues 1023-1043): LTRMPDGPVA[Leu1033Pro]EESYSAVMGI